The following is an entry in ClinVar:

NM_001009944.3(PKD1):c.9598G>T (p.Val3200Phe)

Gene: PKD1 (polycystin 1, transient receptor potential channel interacting; minus strand). Cytogenetic location: 16p13.3.
Variant type: single nucleotide variant.
Coding change: c.9598G>T on transcript NM_001009944.3 (MANE Select); coding-DNA position 9598, G replaced by T.
Protein change: p.Val3200Phe; replaces valine 3200 with phenylalanine.
Molecular consequence: missense variant.
Genome position (GRCh38, 1-based): chr16:2,100,280, C>A on the plus strand (G>T on the coding strand, the complement: PKD1 is on the minus strand). VCF-style: chr16-2100280-C-A. GRCh37 (hg19) VCF-style: chr16-2150281-C-A.
Other names: c.9598G>T, p.Val3200Phe (NM_000296.4); short protein forms V3200F.
Identifiers: ClinVar variation 1309290 (VCV001309290.6), dbSNP rs1422698524, ClinGen allele CA394355458.

ClinVar aggregate classification (germline): Conflicting classifications of pathogenicity. Review status: criteria provided, conflicting classifications (1 of 4 stars). 3 submissions from 3 submitters: Likely pathogenic (1); Uncertain significance (2). Last evaluated 2024-06-03.

Conditions:
Autosomal dominant polycystic kidney disease. Identifiers: Orphanet 730, MedGen C0085413, MONDO:0004691.
Polycystic kidney disease, adult type (PKD1). Also called: Polycystic Kidney Disease 1, Autosomal Dominant; Polycystic kidney disease 1; Polycystic kidney disease 1, severe; POLYCYSTIC KIDNEY DISEASE 1 WITH OR WITHOUT POLYCYSTIC LIVER DISEASE; POLYCYSTIC KIDNEY DISEASE, ADULT, TYPE I; Polycystic Kidney, Autosomal Dominant. Identifiers: MedGen C3149841, MONDO:0008263, OMIM 173900.

Submissions (3):

GeneDx
Classification: Uncertain significance. Last evaluated: 2024-06-03. Review status: criteria provided, single submitter. Criteria: GeneDx Variant Classification Process June 2021. Collection method: clinical testing. Allele origin: germline. Affected: yes.
Comment: Not observed at significant frequency in large population cohorts (gnomAD); In silico analysis supports that this missense variant has a deleterious effect on protein structure/function; Has not been previously published as pathogenic or benign to our knowledge

Fulgent Genetics
Classification: Likely pathogenic for Polycystic kidney disease, adult type. Last evaluated: 2024-02-22. Review status: criteria provided, single submitter. Criteria: ACMG Guidelines, 2015. Collection method: clinical testing. Allele origin: germline.

Clinical Genomics Laboratory, Washington University in St. Louis
Classification: Uncertain significance for Autosomal dominant polycystic kidney disease. Last evaluated: 2023-07-28. Review status: criteria provided, single submitter. Criteria: ACMG Guidelines, 2015. Collection method: clinical testing. Allele origin: germline.
Comment: The PKD1 c.9598G>T (p.Val3200Phe) variant, to our knowledge, has not been reported in the medical literature. This variant has been reported in the ClinVar database as a variant of uncertain significance by two submitters (ClinVar ID 1309290). The PKD1 c.9598G>T (p.Val3200Phe) variant is absent from the general population (gnomAD v.2.1.1), indicating it is not a common variant. Computational predictors are uncertain as to the impact of this variant on PKD1 function. Due to limited information, and based on ACMG/AMP guidelines for variant interpretation (Richards S et al., PMID: 25741868), the clinical significance of this variant is uncertain.